The following is an entry in ClinVar:

NM_130384.3(ATRIP):c.2335G>A (p.Ala779Thr)

Genes: ATRIP (ATR interacting protein; plus strand), ATRIP-TREX1 (ATRIP-TREX1 readthrough; plus strand), LOC129936704 (ATAC-STARR-seq lymphoblastoid active region 19829; plus strand). Cytogenetic location: 3p21.31.
Variant type: single nucleotide variant.
Coding change: c.2335G>A on transcript NM_130384.3 (MANE Select); coding-DNA position 2335, G replaced by A.
Protein change: p.Ala779Thr; replaces alanine 779 with threonine.
Molecular consequence: missense variant. On other transcripts: non-coding transcript variant (1).
Genome position (GRCh38, 1-based): chr3:48,465,513, G>A. VCF-style: chr3-48465513-G-A. GRCh37 (hg19) VCF-style: chr3-48506912-G-A.
Other names: c.1954G>A, p.Ala652Thr (NM_001271022.2); c.2056G>A, p.Ala686Thr (NM_001271023.2); c.2254G>A, p.Ala752Thr (NM_032166.4); short protein forms A686T, A652T, A752T, A779T.
Identifiers: ClinVar variation 3465204 (VCV003465204.1).
Genomic context (GRCh38, chr3:48,465,513, plus strand): 5'-GGCCCTCACCAGGAACCTCTCCTTTTTGTCTCAGAGGCAGCCCTGGATGACCTCTGTGCC[G>A]CGGAAACCGATGTGGAAGACCCCGAGGTGGAGTGTGGCTGAGGCCCTGAGTGTCCAGCCA-3'
Protein context (NP_569055.1, residues 769-789): EEAALDDLCA[Ala779Thr]ETDVEDPEVE

ClinVar aggregate classification (germline): Uncertain significance (1 of 4 stars; one submission).

gnomAD v4.1: 54 of 1,613,892 alleles (0.0033%); highest among the groups gnomAD compares: South Asian, 0.0055%; no homozygotes.

Submission:

Ambry Genetics
Classification: Uncertain significance. Last evaluated: 2024-12-08. Review status: criteria provided, single submitter. Criteria: Ambry Variant Classification Scheme 2023. Collection method: clinical testing. Allele origin: germline.
Comment: The p.A779T variant (also known as c.2335G>A), located in coding exon 13 of the ATRIP gene, results from a G to A substitution at nucleotide position 2335. The alanine at codon 779 is replaced by threonine, an amino acid with similar properties. This amino acid position is conserved. In addition, this alteration is predicted to be tolerated by in silico analysis. Based on the available evidence, the clinical significance of this variant remains unclear.